The following is an entry in ClinVar:

NM_000057.4(BLM):c.1909A>G (p.Arg637Gly)

Gene: BLM (BLM RecQ like helicase; plus strand). Cytogenetic location: 15q26.1.
Variant type: single nucleotide variant.
Coding change: c.1909A>G on transcript NM_000057.4 (MANE Select); coding-DNA position 1909, A replaced by G.
Protein change: p.Arg637Gly; replaces arginine 637 with glycine.
Molecular consequence: missense variant.
Genome position (GRCh38, 1-based): chr15:90,762,992, A>G. VCF-style: chr15-90762992-A-G. GRCh37 (hg19) VCF-style: chr15-91306222-A-G.
Other names: c.1909A>G, p.Arg637Gly (NM_001287246.2, NM_001287247.2); c.784A>G, p.Arg262Gly (NM_001287248.2); short protein forms R637G, R262G.
Identifiers: ClinVar variation 1782456 (VCV001782456.5), dbSNP rs2151160523, ClinGen allele CA393844118.

ClinVar aggregate classification (germline): Uncertain significance. Review status: criteria provided, multiple submitters, no conflicts (2 of 4 stars). 2 submissions from 2 submitters: Uncertain significance (2). Last evaluated 2024-05-12.

Conditions:
Hereditary cancer-predisposing syndrome. Also called: Neoplastic Syndromes, Hereditary; Tumor predisposition; Hereditary Cancer Syndrome; Hereditary neoplastic syndrome. Identifiers: Orphanet 140162, MedGen C0027672, MeSH D009386, MONDO:0015356.
Bloom syndrome (BLM). Also called: Bloom-Torre-Machacek syndrome. Identifiers: Orphanet 125, MedGen C0005859, MONDO:0008876, OMIM 210900.

Submissions (2):

Ambry Genetics
Classification: Uncertain significance for Hereditary cancer-predisposing syndrome. Last evaluated: 2024-05-12. Review status: criteria provided, single submitter. Criteria: Ambry Variant Classification Scheme 2023. Collection method: clinical testing. Allele origin: germline.
Comment: The p.R637G variant (also known as c.1909A>G), located in coding exon 7 of the BLM gene, results from an A to G substitution at nucleotide position 1909. The arginine at codon 637 is replaced by glycine, an amino acid with dissimilar properties. This amino acid position is conserved. In addition, this alteration is predicted to be tolerated by in silico analysis. Since supporting evidence is limited at this time, the clinical significance of this alteration remains unclear.

Labcorp Genetics (formerly Invitae), Labcorp
Classification: Uncertain significance for Bloom syndrome. Last evaluated: 2022-01-26. Review status: criteria provided, single submitter. Criteria: Invitae Variant Classification Sherloc (09022015). Collection method: clinical testing. Allele origin: germline.
Comment: This sequence change replaces arginine, which is basic and polar, with glycine, which is neutral and non-polar, at codon 637 of the BLM protein (p.Arg637Gly). This variant is not present in population databases (gnomAD no frequency). This variant has not been reported in the literature in individuals affected with BLM-related conditions. Algorithms developed to predict the effect of missense changes on protein structure and function output the following: SIFT: "Tolerated"; PolyPhen-2: "Benign"; Align-GVGD: "Class C0". The glycine amino acid residue is found in multiple mammalian species, which suggests that this missense change does not adversely affect protein function. In summary, the available evidence is currently insufficient to determine the role of this variant in disease. Therefore, it has been classified as a Variant of Uncertain Significance.